The following is an entry in ClinVar:

NM_006086.4(TUBB3):c.292G>A (p.Gly98Ser)

Gene: TUBB3 (tubulin beta 3 class III; plus strand). Cytogenetic location: 16q24.3.
Variant type: single nucleotide variant.
Coding change: c.292G>A on transcript NM_006086.4 (MANE Select); coding-DNA position 292, G replaced by A.
Protein change: p.Gly98Ser; replaces glycine 98 with serine.
Molecular consequence: missense variant.
Genome position (GRCh38, 1-based): chr16:89,934,743, G>A. VCF-style: chr16-89934743-G-A. GRCh37 (hg19) VCF-style: chr16-90001151-G-A.
Other names: c.76G>A, p.Gly26Ser (NM_001197181.2); short protein forms G26S, G98S.
Identifiers: ClinVar variation 160191 (VCV000160191.24), dbSNP rs587784505, ClinGen allele CA213295.

ClinVar aggregate classification (germline): Pathogenic/Likely pathogenic. Review status: criteria provided, multiple submitters, no conflicts (2 of 4 stars). 11 submissions from 11 submitters: Pathogenic (4); Likely pathogenic (5). 2 of the submissions do not count toward it. Last evaluated 2025-10-11.

Conditions:
Complex cortical dysplasia with other brain malformations 1. Identifiers: Orphanet 300570, MedGen C3808397, MONDO:0013541, OMIM 614039.
Fibrosis of extraocular muscles, congenital, 3A, with or without extraocular involvement. Also called: FEOM3 LOCUS; CONGENITAL FIBROSIS OF EXTRAOCULAR MUSCLES 3A. Identifiers: MedGen C2748801, MONDO:0010912, OMIM 600638.
TUBB3-related disorder. Also called: TUBB3-related condition; TUBB3-related disorders.
Intellectual disability. Also called: Intellectual developmental disorder; Intellectual functioning disability; intellectual disabilities. Identifiers: MedGen C3714756, MeSH D008607, MONDO:0001071, HP:0001249.

Submissions (11):

Medical and Scientific Branch, Hong Kong Genome Institute
Classification: Pathogenic for Complex cortical dysplasia with other brain malformations 1. Last evaluated: 2025-10-11. Review status: criteria provided, single submitter. Criteria: ACMG Guidelines, 2015. Collection method: clinical testing. Allele origin: de novo. Affected: yes.

Servicio de Genética Del Instituto Nacional de Salud Del Niño, Ministerio de Salud
Classification: Likely pathogenic for Complex cortical dysplasia with other brain malformations 1. Last evaluated: 2024-11-18. Review status: criteria provided, single submitter. Criteria: ACMG Guidelines, 2015. Collection method: clinical testing. Allele origin: germline. Inheritance: Autosomal dominant inheritance. Affected: yes.
Comment: The variant NM_006086.4:c.292G>A (p.Gly98Ser) results in a glycine-to-serine substitution at codon 98. According to ACMG/AMP guidelines, this variant meets the criteria for PM1, PP2, PM2, PP3, and PP5, supporting its classification as likely pathogenic.

PreventionGenetics, part of Exact Sciences
Classification: Pathogenic for TUBB3-related condition. Last evaluated: 2024-10-28. Review status: criteria provided, single submitter. Criteria: ACMG Guidelines, 2015. Collection method: clinical testing. Allele origin: germline.
Comment: The TUBB3 c.292G>A variant is predicted to result in the amino acid substitution p.Gly98Ser. This variant has been reported as a de novo finding in patients with TUBB3 related disorders (Whitman et al. 2016. PubMed ID: 26639658; Smith et al. 2020. PubMed ID: 32705776; Stutterd et al. 2020. PubMed ID: 33604570; Stranneheim et al. 2021. PubMed ID: 33726816). This variant has not been reported in a large population database (gnomAD), indicating this variant is rare. This variant is interpreted as pathogenic.

Blueprint Genetics
Classification: Pathogenic for TUBB3-related disorders. Last evaluated: 2023-10-27. Review status: criteria provided, single submitter. Criteria: ACMG Guidelines, 2015. Collection method: clinical testing. Allele origin: germline. Affected: yes. Observed: 3 variant alleles.

GeneDx
Classification: Pathogenic. Last evaluated: 2022-07-30. Review status: criteria provided, single submitter. Criteria: GeneDx Variant Classification Process June 2021. Collection method: clinical testing. Allele origin: germline. Affected: yes.
Comment: Not observed in large population cohorts (gnomAD); Missense variants in this gene are often considered pathogenic (HGMD); In silico analysis supports that this missense variant has a deleterious effect on protein structure/function; This variant is associated with the following publications: (PMID: 20301522, 26934450, 32169460, 32705776, 33726816, 20829227, 26639658, 33604570)

Revvity Omics, Revvity
Classification: Likely pathogenic. Last evaluated: 2022-01-05. Review status: criteria provided, single submitter. Criteria: ACMG Guidelines, 2015. Collection method: clinical testing. Allele origin: germline.

3billion
Classification: Likely pathogenic for Complex cortical dysplasia with other brain malformations 1. Last evaluated: 2021-10-02. Review status: criteria provided, single submitter. Criteria: ACMG Guidelines, 2015. Collection method: clinical testing. Allele origin: germline. Affected: yes. Observed: 1 heterozygote.
Comment: Same nucleotide change resulting in same amino acid change has been previously reported as de novoo in similarly affected indivisual (PMID: 26639658, PS2). The variant was observed as assumed (i.e. paternity and maternity not confirmed) de novoo (3billion dataset, PM6). It is not observed in the gnomAD v2.1.1 dataset (PM2). In silico tool predictions suggest damaging effect of the variant on gene or gene product (REVEL: 0.908, 3Cnet: 0.938, PP3). Therefore, this variant is classified as likely pathogenic according to the recommendation of ACMG/AMP guideline.

Cambridge Genomics Laboratory, East Genomic Laboratory Hub, NHS Genomic Medicine Service
Classification: Likely pathogenic for Intellectual disability. Last evaluated: 2019-11-28. Review status: criteria provided, single submitter. Criteria: ACGS Best Practice Guidelines for Variant Classification in Rare Disease 2020. Collection method: clinical testing. Allele origin: germline. Affected: yes. Observed: 1 variant allele.

Equipe Genetique des Anomalies du Developpement, Université de Bourgogne
Classification: Likely pathogenic for Complex cortical dysplasia with other brain malformations 1. Last evaluated: 2016-01-01. Review status: criteria provided, single submitter. Criteria: ACMG Guidelines, 2015. Collection method: clinical testing. Allele origin: de novo. Affected: yes.

GeneReviews
No classification provided. Condition: Fibrosis of extraocular muscles, congenital, 3A, with or without extraocular involvement. Review status: no classification provided. Collection method: literature only. Allele origin: germline. Not counted in ClinVar's aggregate classification.

Genetic Services Laboratory, University of Chicago
Classification: Uncertain significance for Cortical dysplasia, complex, with other brain malformations 1. Last evaluated: 2013-09-18. Review status: flagged submission. Criteria: ACMG Guidelines, 2007. Collection method: clinical testing. Allele origin: germline. Inheritance: Autosomal dominant inheritance. Not counted in ClinVar's aggregate classification.
ClinVar note: Reason: Older and outlier claim with insufficient supporting evidence

Literature cited by the submitters: PubMed 26639658 (cited by 3billion and GeneReviews); PubMed 20301522 (cited by GeneReviews).